The following is an entry in ClinVar:

NM_002880.4(RAF1):c.1652T>A (p.Ile551Asn)

Gene: RAF1 (Raf-1 proto-oncogene, serine/threonine kinase; minus strand). Cytogenetic location: 3p25.2.
Variant type: single nucleotide variant.
Coding change: c.1652T>A on transcript NM_002880.4 (MANE Select); coding-DNA position 1652, T replaced by A.
Protein change: p.Ile551Asn; replaces isoleucine 551 with asparagine.
Molecular consequence: missense variant. On other transcripts: non-coding transcript variant (3).
Genome position (GRCh38, 1-based): chr3:12,585,138, A>T on the plus strand (T>A on the coding strand, the complement: RAF1 is on the minus strand). VCF-style: chr3-12585138-A-T. GRCh37 (hg19) VCF-style: chr3-12626637-A-T.
Other names: c.1712T>A, p.Ile571Asn (NM_001354689.3); c.1652T>A, p.Ile551Asn (NM_001354690.3); c.1409T>A, p.Ile470Asn (NM_001354691.3, NM_001354692.3); c.1553T>A, p.Ile518Asn (NM_001354693.3); c.1469T>A, p.Ile490Asn (NM_001354694.3); c.1310T>A, p.Ile437Asn (NM_001354695.3); short protein forms I437N, I470N, I518N, I551N, I490N, I571N.
Identifiers: ClinVar variation 835967 (VCV000835967.9), dbSNP rs2058289374, ClinGen allele CA351497326.

ClinVar aggregate classification (germline): Uncertain significance (1 of 4 stars; one submission).

Conditions:
RASopathy. Also called: Noonan spectrum disorder; rasopathies. Identifiers: Orphanet 536391, MedGen C5555857, MONDO:0021060.

Submission:

Labcorp Genetics (formerly Invitae), Labcorp
Classification: Uncertain significance for RASopathy. Last evaluated: 2019-02-13. Review status: criteria provided, single submitter. Criteria: Invitae Variant Classification Sherloc (09022015). Collection method: clinical testing. Allele origin: germline.
Comment: In summary, the available evidence is currently insufficient to determine the role of this variant in disease. Therefore, it has been classified as a Variant of Uncertain Significance. Algorithms developed to predict the effect of missense changes on protein structure and function are either unavailable or do not agree on the potential impact of this missense change (SIFT: "Deleterious"; PolyPhen-2: "Probably Damaging"; Align-GVGD: "Class C0"). This variant has not been reported in the literature in individuals with RAF1-related conditions. This variant is not present in population databases (ExAC no frequency). This sequence change replaces isoleucine with asparagine at codon 551 of the RAF1 protein (p.Ile551Asn). The isoleucine residue is highly conserved and there is a large physicochemical difference between isoleucine and asparagine.